The following is an entry in ClinVar:

ClinVar aggregate classification (germline): Conflicting classifications of pathogenicity. Review status: criteria provided, conflicting classifications (1 of 4 stars). 4 submissions from 4 submitters: Uncertain significance (3); Likely benign (1). Last evaluated 2025-12-22.

Conditions:
RP1L1-related disorder. Also called: RP1L1-related condition.
Inborn genetic diseases. Identifiers: MedGen C0950123, MeSH D030342.

Allele frequency attached by ClinVar (database versions not stated): ExAC 0.00001; gnomAD exomes 0.00001; TOPMed 0.00003; gnomAD 0.00004 and 0.00005; ESP Exome Variant Server 0.00008; 1000 Genomes Project 30x 0.00016; 1000 Genomes Project 0.00020.
gnomAD v4.1: 110 of 1,614,266 alleles (0.0068%); highest among the groups gnomAD compares: Non-Finnish European, 0.0088%; no homozygotes.

Submissions (4):

Labcorp Genetics (formerly Invitae), Labcorp
Classification: Uncertain significance. Last evaluated: 2025-12-22. Review status: criteria provided, single submitter. Criteria: Invitae Variant Classification Sherloc (09022015). Collection method: clinical testing. Allele origin: germline.
Comment: This sequence change replaces alanine, which is neutral and non-polar, with threonine, which is neutral and polar, at codon 238 of the RP1L1 protein (p.Ala238Thr). This variant is present in population databases (rs199682045, gnomAD 0.003%). This variant has not been reported in the literature in individuals affected with RP1L1-related conditions. ClinVar contains an entry for this variant (Variation ID: 1345677). Invitae Evidence Modeling of protein sequence and biophysical properties (such as structural, functional, and spatial information, amino acid conservation, physicochemical variation, residue mobility, and thermodynamic stability) indicates that this missense variant is not expected to disrupt RP1L1 protein function with a negative predictive value of 80%. In summary, the available evidence is currently insufficient to determine the role of this variant in disease. Therefore, it has been classified as a Variant of Uncertain Significance.

PreventionGenetics, part of Exact Sciences
Classification: Uncertain significance for RP1L1-related condition. Last evaluated: 2025-11-14. Review status: criteria provided, single submitter. Criteria: ACMG Guidelines, 2015. Collection method: clinical testing. Allele origin: germline.
Comment: The RP1L1 c.712G>A variant is predicted to result in the amino acid substitution p.Ala238Thr. To our knowledge, this variant has not been reported in the literature. This variant is present in 0.0039% of alleles in individuals of European (Non-Finnish) descent in gnomAD. At this time, the clinical significance of this variant is uncertain due to the absence of conclusive functional and genetic evidence.

Ambry Genetics
Classification: Likely benign for Inborn genetic diseases. Last evaluated: 2025-05-29. Review status: criteria provided, single submitter. Criteria: Ambry Variant Classification Scheme 2023. Collection method: clinical testing. Allele origin: germline.

Blueprint Genetics
Classification: Uncertain significance. Last evaluated: 2024-09-18. Review status: criteria provided, single submitter. Criteria: ACMG Guidelines, 2015. Collection method: clinical testing. Allele origin: germline.

NM_178857.6(RP1L1):c.712G>A (p.Ala238Thr)

Gene: RP1L1 (RP1 like 1). Cytogenetic location: 8p23.1.
Variant type: single nucleotide variant.
Coding change: c.712G>A on transcript NM_178857.6 (MANE Select); coding-DNA position 712, G replaced by A.
Protein change: p.Ala238Thr; replaces alanine 238 with threonine.
Molecular consequence: missense variant.
Genome position (GRCh38, 1-based): chr8:10,616,485, C>T on the plus strand (G>A on the coding strand, the complement: RP1L1 is on the minus strand). VCF-style: chr8-10616485-C-T. GRCh37 (hg19) VCF-style: chr8-10473995-C-T.
Other names: c.712G>A (NM_178857.5); short protein forms A238T.
Identifiers: ClinVar variation 1345677 (VCV001345677.11), dbSNP rs199682045, ClinGen allele CA4625498.